The following is an entry in ClinVar:

NM_017763.6(RNF43):c.1920C>T (p.Phe640=)

Gene: RNF43 (ring finger protein 43; minus strand). Cytogenetic location: 17q22.
Variant type: single nucleotide variant.
Coding change: c.1920C>T on transcript NM_017763.6 (MANE Select); coding-DNA position 1920, C replaced by T.
Protein change: p.Phe640=; no amino-acid change (phenylalanine 640 retained).
Molecular consequence: synonymous variant.
Genome position (GRCh38, 1-based): chr17:58,357,856, G>A on the plus strand (C>T on the coding strand, the complement: RNF43 is on the minus strand). VCF-style: chr17-58357856-G-A. GRCh37 (hg19) VCF-style: chr17-56435217-G-A.
Other names: c.1920C>T, p.Phe640= (NM_001305544.3, NM_001438820.1, NM_001438821.1 and 1 more transcripts); c.1539C>T, p.Phe513= (NM_001305545.2, NM_001437987.1).
Identifiers: ClinVar variation 5042421 (VCV005042421.1).

ClinVar aggregate classification (germline): Benign (1 of 4 stars; one submission).

Conditions:
Sessile serrated polyposis cancer syndrome (SSPCS). Identifiers: Orphanet 157798, MedGen C4310714, MONDO:0014919, OMIM 617108.

Submission:

Myriad Genetics, Inc.
Classification: Benign for Sessile serrated polyposis cancer syndrome. Last evaluated: 2026-07-02. Review status: criteria provided, single submitter. Criteria: Myriad Autosomal Dominant, Autosomal Recessive and X-Linked Classification Criteria (2023). Collection method: clinical testing. Allele origin: unknown.
Comment: This variant is considered benign. This variant is a silent/synonymous amino acid change and it is not expected to impact splicing.